The following is an entry in ClinVar:

ClinVar aggregate classification (germline): Uncertain significance (1 of 4 stars; one submission).

Allele frequency attached by ClinVar (database versions not stated): gnomAD 0.00004 and 0.00007; gnomAD exomes 0.00006 and 0.00015; TOPMed 0.00008; ExAC 0.00013.

Submission:

Labcorp Genetics (formerly Invitae), Labcorp
Classification: Uncertain significance. Last evaluated: 2022-06-08. Review status: criteria provided, single submitter. Criteria: Invitae Variant Classification Sherloc (09022015). Collection method: clinical testing. Allele origin: germline.
Comment: This sequence change replaces arginine, which is basic and polar, with glutamine, which is neutral and polar, at codon 83 of the CIB1 protein (p.Arg83Gln). This variant is present in population databases (rs747765776, gnomAD 0.1%). This variant has not been reported in the literature in individuals affected with CIB1-related conditions. Algorithms developed to predict the effect of missense changes on protein structure and function output the following: SIFT: "Tolerated"; PolyPhen-2: "Not Available"; Align-GVGD: "Class C0". The glutamine amino acid residue is found in multiple mammalian species, which suggests that this missense change does not adversely affect protein function. In summary, the available evidence is currently insufficient to determine the role of this variant in disease. Therefore, it has been classified as a Variant of Uncertain Significance.

NM_006384.4(CIB1):c.128G>A (p.Arg43Gln)

Gene: CIB1 (calcium and integrin binding 1; minus strand). Cytogenetic location: 15q26.1.
Variant type: single nucleotide variant.
Coding change: c.128G>A on transcript NM_006384.4 (MANE Select); coding-DNA position 128, G replaced by A.
Protein change: p.Arg43Gln; replaces arginine 43 with glutamine.
Molecular consequence: missense variant. On other transcripts: non-coding transcript variant (2).
Genome position (GRCh38, 1-based): chr15:90,232,286, C>T on the plus strand (G>A on the coding strand, the complement: CIB1 is on the minus strand). VCF-style: chr15-90232286-C-T. GRCh37 (hg19) VCF-style: chr15-90775518-C-T.
Other names: c.248G>A, p.Arg83Gln (NM_001277764.2); short protein forms R43Q, R83Q.
Identifiers: ClinVar variation 1521231 (VCV001521231.5), dbSNP rs747765776, ClinGen allele CA7734308.